The following is an entry in ClinVar:

ClinVar aggregate classification (germline): Conflicting classifications of pathogenicity. Review status: criteria provided, conflicting classifications (1 of 4 stars). 3 submissions from 3 submitters: Uncertain significance (1); Benign (1); Likely benign (1). Last evaluated 2024-07-26.

Conditions:
Familial cancer of breast. Also called: Hereditary breast cancer; BREAST CANCER, FAMILIAL; hereditary breast carcinoma. Identifiers: Orphanet 227535, MedGen C0346153, MONDO:0016419, OMIM 114480. Disease mechanism: loss of function.

Submissions (3):

Myriad Genetics, Inc.
Classification: Benign for Familial cancer of breast. Last evaluated: 2024-07-26. Review status: criteria provided, single submitter. Criteria: Myriad Autosomal Dominant, Autosomal Recessive and X-Linked Classification Criteria (2023). Collection method: clinical testing. Allele origin: unknown.
Comment: This variant is considered benign. This variant is a silent/synonymous amino acid change and it is not expected to impact splicing.

Women's Health and Genetics/Laboratory Corporation of America, LabCorp
Classification: Likely benign. Last evaluated: 2019-08-21. Review status: criteria provided, single submitter. Criteria: LabCorp Variant Classification Summary - May 2015. Collection method: clinical testing. Allele origin: germline.

GeneDx
Classification: Uncertain significance. Last evaluated: 2017-02-03. Review status: criteria provided, single submitter. Criteria: GeneDx Variant Classification (06012015). Collection method: clinical testing. Allele origin: germline. Affected: yes.
Comment: This variant is denoted BARD1 c.1644G>A at the DNA level. This variant is silent at the coding level, preserving a Lysine at codon 548. It is not predicted to cause abnormal splicing. This variant has not, to our knowledge, been published in the literature as pathogenic or benign. BARD1 c.1644G>A was not observed in approximately 6,500 individuals of European and African American ancestry in the NHLBI Exome Sequencing Project, suggesting it is not a common benign variant in these populations. The nucleotide which is altered, a guanine (G) at base 1644, is conserved. Based on currently available information, it is unclear whether BARD1 c.1644G>A is a pathogenic or benign variant. We consider it to be a variant of uncertain significance.

NM_000465.4(BARD1):c.1644G>A (p.Lys548=)

Gene: BARD1 (BRCA1 associated RING domain 1; minus strand). Cytogenetic location: 2q35.
Variant type: single nucleotide variant.
Coding change: c.1644G>A on transcript NM_000465.4 (MANE Select); coding-DNA position 1644, G replaced by A.
Protein change: p.Lys548=; no amino-acid change (lysine 548 retained).
Molecular consequence: synonymous variant. On other transcripts: non-coding transcript variant (3), intron variant (1).
Genome position (GRCh38, 1-based): chr2:214,752,480, C>T on the plus strand (G>A on the coding strand, the complement: BARD1 is on the minus strand). VCF-style: chr2-214752480-C-T. GRCh37 (hg19) VCF-style: chr2-215617204-C-T.
Other names: c.1587G>A, p.Lys529= (NM_001282543.2); c.291G>A, p.Lys97= (NM_001282545.2); c.234G>A, p.Lys78= (NM_001282548.2); c.365-21972G>A (NM_001282549.2).
Identifiers: ClinVar variation 423415 (VCV000423415.4), dbSNP rs1064796411, ClinGen allele CA16617434.